The following is an entry in ClinVar:

ClinVar aggregate classification (germline): Likely benign. Review status: criteria provided, multiple submitters, no conflicts (2 of 4 stars). 2 submissions from 2 submitters: Likely benign (2). Last evaluated 2026-08-01.

Allele frequency attached by ClinVar (database versions not stated): gnomAD 0.00022 and 0.00024; gnomAD exomes 0.00023 and 0.00041; ExAC 0.00027; TOPMed 0.00027; ESP Exome Variant Server 0.00077; 1000 Genomes Project 30x 0.00016; 1000 Genomes Project 0.00020.
gnomAD v4.1: 629 of 1,614,220 alleles (0.039%); highest among the groups gnomAD compares: Non-Finnish European, 0.051%; no homozygotes.

Submissions (2):

CeGaT Center for Human Genetics Tuebingen
Classification: Likely benign. Last evaluated: 2026-08-01. Review status: criteria provided, single submitter. Criteria: CeGaT Center For Human Genetics Tuebingen Variant Classification Criteria Version 2. Collection method: clinical testing. Allele origin: germline. Affected: yes. Observed: 1 variant allele.
Comment: LTBP1: BP4, BP7

Labcorp Genetics (formerly Invitae), Labcorp
Classification: Likely benign. Last evaluated: 2018-05-12. Review status: criteria provided, single submitter. Criteria: Invitae Variant Classification Sherloc (09022015). Collection method: clinical testing. Allele origin: germline.

NM_206943.4(LTBP1):c.2337G>A (p.Glu779=)

Gene: LTBP1 (latent transforming growth factor beta binding protein 1; plus strand). Cytogenetic location: 2p22.3.
Variant type: single nucleotide variant.
Coding change: c.2337G>A on transcript NM_206943.4 (MANE Select); coding-DNA position 2337, G replaced by A.
Protein change: p.Glu779=; no amino-acid change (glutamic acid 779 retained).
Molecular consequence: synonymous variant.
Genome position (GRCh38, 1-based): chr2:33,257,453, G>A. VCF-style: chr2-33257453-G-A. GRCh37 (hg19) VCF-style: chr2-33482520-G-A.
Other names: c.1359G>A, p.Glu453= (NM_000627.4, NM_001166264.2, NM_001394906.1 and 8 more transcripts); c.1200G>A, p.Glu400= (NM_001166265.2, NM_001166266.2, NM_001394913.1 and 7 more transcripts); c.2178G>A, p.Glu726= (NM_001394905.1); c.1275G>A, p.Glu425= (NM_001394907.1, NM_001394914.1, NM_001394915.1); c.1116G>A, p.Glu372= (NM_001394916.1).
Identifiers: ClinVar variation 745087 (VCV000745087.4), dbSNP rs144207957, ClinGen allele CA1607323.